The following is an entry in ClinVar:

ClinVar aggregate classification (germline): Benign. Review status: criteria provided, multiple submitters, no conflicts (2 of 4 stars). 3 submissions from 3 submitters: Benign (3). Last evaluated 2026-01-15.

Conditions:
Long QT syndrome 1 (LQT1). Identifiers: Orphanet 101016, Orphanet 768, MedGen C4551647, MONDO:0100316, OMIM 192500, MONDO:0008646.

Allele frequency attached by ClinVar (database versions not stated): gnomAD 0.15904 and 0.16071; 1000 Genomes Project 30x 0.16318; TOPMed 0.14384; 1000 Genomes Project 0.17133.
gnomAD v4.1: 102,310 of 544,608 alleles (19%); highest among the groups gnomAD compares: East Asian, 35%; 11,146 homozygotes.

Submissions (3):

Labcorp Genetics (formerly Invitae), Labcorp
Classification: Benign for Long QT syndrome 1. Last evaluated: 2026-01-15. Review status: criteria provided, single submitter. Criteria: Invitae Variant Classification Sherloc (09022015). Collection method: clinical testing. Allele origin: germline.

GeneDx
Classification: Benign. Last evaluated: 2018-06-19. Review status: criteria provided, single submitter. Criteria: GeneDx Variant Classification Process June 2021. Collection method: clinical testing. Allele origin: germline. Affected: yes.
Comment: This variant is associated with the following publications: (PMID: 19429631)

Breakthrough Genomics
Classification: Benign. Review status: criteria provided, single submitter. Criteria: ACMG Guidelines, 2015. Collection method: not provided. Allele origin: germline. Inheritance: Autosomal dominant inheritance. Affected: yes.

NC_000019.10:g.46601278T>A

Genes: CALM3 (calmodulin 3; plus strand), LOC130064760 (ATAC-STARR-seq lymphoblastoid silent region 10814; plus strand). Cytogenetic location: 19q13.32.
Variant type: single nucleotide variant.
Molecular consequence: intron variant (on NM_001329921.1).
Genome position: GRCh38 VCF-style: chr19-46601278-T-A. GRCh37 (hg19) VCF-style: chr19-47104535-T-A.
Other names: c.-106+102T>A (NM_001329921.1).
Identifiers: ClinVar variation 1167461 (VCV001167461.12), dbSNP rs150954567, ClinGen allele CA14703969.
Genomic context (GRCh38, chr19:46,601,278, plus strand): 5'-CGGCGGCGCGCGGGCCGGGTGGGGCGGGGCCGAGCGAGGCGGGGCGCGCGCGGCGGCCGT[T>A]GAGGGACCGTTGGGGCGGGAGGCGGCGGCGGCGGCGGCGCGCGCTGCGGGCAGTGAGTGT-3'